The following is an entry in ClinVar:

ClinVar aggregate classification (germline): Uncertain significance (1 of 4 stars; one submission).

Conditions:
Multiple endocrine neoplasia type 4. Also called: MULTIPLE ENDOCRINE NEOPLASIA, TYPE IV. Identifiers: Orphanet 276152, MedGen C1970712, MONDO:0012552, OMIM 610755.

Allele frequency attached by ClinVar (database versions not stated): gnomAD exomes below 0.00001.
gnomAD v4.1: 1 of 1,613,752 alleles (0.000062%); highest among the groups gnomAD compares: Non-Finnish European, 0.000085%; no homozygotes.

Submission:

Labcorp Genetics (formerly Invitae), Labcorp
Classification: Uncertain significance for Multiple endocrine neoplasia type 4. Last evaluated: 2021-09-21. Review status: criteria provided, single submitter. Criteria: Invitae Variant Classification Sherloc (09022015). Collection method: clinical testing. Allele origin: germline.
Comment: In summary, the available evidence is currently insufficient to determine the role of this variant in disease. Therefore, it has been classified as a Variant of Uncertain Significance. Algorithms developed to predict the effect of missense changes on protein structure and function (SIFT, PolyPhen-2, Align-GVGD) all suggest that this variant is likely to be disruptive. This variant has not been reported in the literature in individuals affected with CDKN1B-related conditions. This variant is not present in population databases (ExAC no frequency). This sequence change replaces glycine with glutamic acid at codon 9 of the CDKN1B protein (p.Gly9Glu). The glycine residue is highly conserved and there is a moderate physicochemical difference between glycine and glutamic acid.

NM_004064.5(CDKN1B):c.26G>A (p.Gly9Glu)

Gene: CDKN1B (cyclin dependent kinase inhibitor 1B; plus strand). Cytogenetic location: 12p13.1.
Variant type: single nucleotide variant.
Coding change: c.26G>A on transcript NM_004064.5 (MANE Select); coding-DNA position 26, G replaced by A.
Protein change: p.Gly9Glu; replaces glycine 9 with glutamic acid.
Molecular consequence: missense variant.
Genome position (GRCh38, 1-based): chr12:12,717,865, G>A. VCF-style: chr12-12717865-G-A. GRCh37 (hg19) VCF-style: chr12-12870799-G-A.
Other names: short protein forms G9E.
Identifiers: ClinVar variation 1380822 (VCV001380822.6), dbSNP rs1946485926, ClinGen allele CA383967991.
Genomic context (GRCh38, chr12:12,717,865, plus strand): 5'-TGCGAGAGAGGCGGTCGTGCAGACCCGGGAGAAAGATGTCAAACGTGCGAGTGTCTAACG[G>A]GAGCCCTAGCCTGGAGCGGATGGACGCCAGGCAGGCGGAGCACCCCAAGCCCTCGGCCTG-3'
Protein context (NP_004055.1, residues 1-19): MSNVRVSN[Gly9Glu]SPSLERMDAR